The following is an entry in ClinVar:

NM_001289104.2(PRKCSH):c.350+10T>C

Gene: PRKCSH (PRKCSH beta subunit of glucosidase II; plus strand). Cytogenetic location: 19p13.2.
Variant type: single nucleotide variant.
Coding change: c.350+10T>C on transcript NM_001289104.2 (MANE Select); 10 bases into the intron after coding-DNA position 350, T replaced by C.
Molecular consequence: intron variant.
Genome position (GRCh38, 1-based): chr19:11,438,134, T>C. VCF-style: chr19-11438134-T-C. GRCh37 (hg19) VCF-style: chr19-11548955-T-C.
Other names: p.?; c.350+10T>C (NM_001289103.2, NM_001379609.1, NM_001379608.1 and 3 more transcripts).
Identifiers: ClinVar variation 258794 (VCV000258794.20), dbSNP rs188406927, ClinGen allele CA9212798.

ClinVar aggregate classification (germline): Benign/Likely benign. Review status: criteria provided, multiple submitters, no conflicts (2 of 4 stars). 7 submissions from 7 submitters: Benign (4); Likely benign (3). Last evaluated 2026-01-23.

Conditions:
Polycystic liver disease 1 (PCLD1). Also called: Polycystic liver disease 1 with or without kidney cysts. Identifiers: Orphanet 2924, MedGen C0887850, MONDO:0008265, OMIM 174050.

Allele frequency attached by ClinVar (database versions not stated): gnomAD exomes 0.00627 and 0.00750; ExAC 0.00636; 1000 Genomes Project 0.00739; 1000 Genomes Project 30x 0.00781; TOPMed 0.00479; gnomAD 0.00499 and 0.00517; ESP Exome Variant Server 0.00507.
gnomAD v4.1: 11,706 of 1,613,816 alleles (0.73%); highest among the groups gnomAD compares: South Asian, 1.3%; 59 homozygotes.

Submissions (7):

Labcorp Genetics (formerly Invitae), Labcorp
Classification: Benign. Last evaluated: 2026-01-23. Review status: criteria provided, single submitter. Criteria: Invitae Variant Classification Sherloc (09022015). Collection method: clinical testing. Allele origin: germline.

Blueprint Genetics
Classification: Likely benign. Last evaluated: 2024-11-28. Review status: criteria provided, single submitter. Criteria: ACMG Guidelines, 2015. Collection method: clinical testing. Allele origin: germline.

Mayo Clinic Laboratories, Mayo Clinic
Classification: Benign. Last evaluated: 2023-09-20. Review status: criteria provided, single submitter. Criteria: ACMG Guidelines, 2015. Collection method: clinical testing. Allele origin: germline. Observed: 6 variant alleles.
Comment: BA1, BS2, BP4, BP7

GeneDx
Classification: Likely benign. Last evaluated: 2018-07-06. Review status: criteria provided, single submitter. Criteria: GeneDx Variant Classification Process June 2021. Collection method: clinical testing. Allele origin: germline. Affected: yes.

Illumina Laboratory Services, Illumina
Classification: Benign for Polycystic liver disease 1. Last evaluated: 2018-01-12. Review status: criteria provided, single submitter. Criteria: ICSL Variant Classification Criteria 13 December 2019. Collection method: clinical testing. Allele origin: germline.
Comment: This variant was observed in the ICSL laboratory as part of a predisposition screen in an ostensibly healthy population. It had not been previously curated by ICSL or reported in the Human Gene Mutation Database (HGMD: prior to June 1st, 2018), and was therefore a candidate for classification through an automated scoring system. Utilizing variant allele frequency, disease prevalence and penetrance estimates, and inheritance mode, an automated score was calculated to assess if this variant is too frequent to cause the disease. Based on the score and internal cut-off values, a variant classified as benign is not then subjected to further curation. The score for this variant resulted in a classification of benign for this disease.

Breakthrough Genomics
Classification: Likely benign. Review status: criteria provided, single submitter. Criteria: ACMG Guidelines, 2015. Collection method: not provided. Allele origin: germline. Inheritance: Autosomal dominant inheritance. Affected: yes.

PreventionGenetics, part of Exact Sciences
Classification: Benign. Review status: criteria provided, single submitter. Criteria: ACMG Guidelines, 2015. Collection method: clinical testing. Allele origin: germline.